The following is an entry in ClinVar:

NM_005585.5(SMAD6):c.263_264delinsT (p.Gly88fs)

Gene: SMAD6 (SMAD family member 6; plus strand). Cytogenetic location: 15q22.31.
Variant type: Indel.
Coding change: c.263_264delinsT on transcript NM_005585.5 (MANE Select); coding-DNA positions 263 to 264, GC replaced by T.
Protein change: p.Gly88fs; shifts the reading frame from glycine 88.
Molecular consequence: frameshift variant. On other transcripts: non-coding transcript variant (1).
Genome position (GRCh38, 1-based): chr15:66,703,521-66,703,522, GC replaced by T. VCF-style: chr15-66703521-GC-T. GRCh37 (hg19) VCF-style: chr15-66995859-GC-T.
Other names: short protein forms G88fs.
Identifiers: ClinVar variation 690416 (VCV000690416.2), dbSNP rs1595756703, ClinGen allele CA915946056.

ClinVar aggregate classification (germline): Likely pathogenic (0 of 4 stars; one submission).

Conditions:
Radioulnar synostosis. Also called: Congenital radioulnar synostosis. Identifiers: Orphanet 3269, MedGen C0158761, MONDO:0017985, HP:0002974.

Submission:

The Laboratory of Genetics and Metabolism, Hunan Children’s Hospital
Classification: Likely pathogenic for radioulnar synostosis. Last evaluated: 2019-05-14. Review status: no assertion criteria provided. Collection method: case-control. Allele origin: maternal. Affected: yes.
Comment: PVS1, PM2, PP4